The following is an entry in ClinVar:

ClinVar aggregate classification (germline): Uncertain significance (1 of 4 stars; one submission).

Conditions:
Neurodevelopmental disorder with or without hyperkinetic movements and seizures, autosomal dominant. Also called: Intellectual disability, autosomal dominant 8. Identifiers: MedGen C3280282, MONDO:0013655, OMIM 614254.

Submission:

Labcorp Genetics (formerly Invitae), Labcorp
Classification: Uncertain significance for Neurodevelopmental disorder with or without hyperkinetic movements and seizures, autosomal dominant. Last evaluated: 2020-08-20. Review status: criteria provided, single submitter. Criteria: Invitae Variant Classification Sherloc (09022015). Collection method: clinical testing. Allele origin: germline.
Comment: In summary, the available evidence is currently insufficient to determine the role of this variant in disease. Therefore, it has been classified as a Variant of Uncertain Significance. Algorithms developed to predict the effect of missense changes on protein structure and function are either unavailable or do not agree on the potential impact of this missense change (SIFT: "Deleterious"; PolyPhen-2: "Probably Damaging"; Align-GVGD: "Class C0"). This variant has not been reported in the literature in individuals with GRIN1-related conditions. This variant is not present in population databases (ExAC no frequency). This sequence change replaces isoleucine with leucine at codon 730 of the GRIN1 protein (p.Ile730Leu). The isoleucine residue is highly conserved and there is a small physicochemical difference between isoleucine and leucine.

NM_007327.4(GRIN1):c.2188A>C (p.Ile730Leu)

Gene: GRIN1 (glutamate ionotropic receptor NMDA type subunit 1; plus strand). Cytogenetic location: 9q34.3.
Variant type: single nucleotide variant.
Coding change: c.2188A>C on transcript NM_007327.4 (MANE Select); coding-DNA position 2188, A replaced by C.
Protein change: p.Ile730Leu; replaces isoleucine 730 with leucine.
Molecular consequence: missense variant.
Genome position (GRCh38, 1-based): chr9:137,163,185, A>C. VCF-style: chr9-137163185-A-C. GRCh37 (hg19) VCF-style: chr9-140057637-A-C.
Other names: c.2188A>C, p.Ile730Leu (NM_000832.7, NM_021569.4); c.2251A>C, p.Ile751Leu (NM_001185090.2, NM_001185091.2); short protein forms I730L, I751L.
Identifiers: ClinVar variation 1006435 (VCV001006435.9), dbSNP rs1833655773, ClinGen allele CA375722809.